The following is an entry in ClinVar:

NM_133259.4(LRPPRC):c.2326G>T (p.Glu776Ter)

Gene: LRPPRC (leucine rich pentatricopeptide repeat containing; minus strand). Cytogenetic location: 2p21.
Variant type: single nucleotide variant.
Coding change: c.2326G>T on transcript NM_133259.4 (MANE Select); coding-DNA position 2326, G replaced by T.
Protein change: p.Glu776Ter; replaces glutamic acid 776 with a stop codon.
Molecular consequence: nonsense.
Genome position (GRCh38, 1-based): chr2:43,943,865, C>A on the plus strand (G>T on the coding strand, the complement: LRPPRC is on the minus strand). VCF-style: chr2-43943865-C-A. GRCh37 (hg19) VCF-style: chr2-44171004-C-A.
Other names: c.2326G>T (NM_133259.3); short protein forms E776*.
Identifiers: ClinVar variation 813358 (VCV000813358.8), dbSNP rs758615834, ClinGen allele CA1638489.

ClinVar aggregate classification (germline): Pathogenic/Likely pathogenic. Review status: criteria provided, multiple submitters, no conflicts (2 of 4 stars). 4 submissions from 4 submitters: Pathogenic (1); Likely pathogenic (3). Last evaluated 2024-06-17.

Conditions:
Congenital lactic acidosis, Saguenay-Lac-Saint-Jean type (MC4DN5). Also called: CYTOCHROME c OXIDASE DEFICIENCY, FRENCH CANADIAN TYPE; COX DEFICIENCY, FRENCH CANADIAN TYPE; MITOCHONDRIAL COMPLEX IV DEFICIENCY, NUCLEAR TYPE 5. Identifiers: Orphanet 70472, MedGen C1857355, MONDO:0009069, OMIM 220111.

Allele frequency attached by ClinVar (database versions not stated): ExAC 0.00001; gnomAD 0.00001; gnomAD exomes 0.00001; TOPMed 0.00001.

Submissions (4):

Natera, Inc.
Classification: Likely pathogenic for French-Canadian type Leigh syndrome. Last evaluated: 2024-06-17. Review status: criteria provided, single submitter. Criteria: Natera Variant Classification Schema (03/2026). Collection method: clinical testing. Allele origin: germline.
Comment: The c.2326G>T variant in LRPPRC is a nonsense variant predicted to introduce a stop codon at amino acid 776. This variant is expected to result in nonsense mediated decay, truncation, or a dysfunctional protein product. This variant is rare in the general population with a frequency below the threshold expected for the associated phenotype(s). Given the available evidence, this variant is classified as Likely Pathogenic.

Labcorp Genetics (formerly Invitae), Labcorp
Classification: Pathogenic. Last evaluated: 2023-11-04. Review status: criteria provided, single submitter. Criteria: Invitae Variant Classification Sherloc (09022015). Collection method: clinical testing. Allele origin: germline.
Comment: This sequence change creates a premature translational stop signal (p.Glu776*) in the LRPPRC gene. It is expected to result in an absent or disrupted protein product. Loss-of-function variants in LRPPRC are known to be pathogenic (PMID: 26510951). This variant is present in population databases (rs758615834, gnomAD 0.01%). This variant has not been reported in the literature in individuals affected with LRPPRC-related conditions. ClinVar contains an entry for this variant (Variation ID: 813358). For these reasons, this variant has been classified as Pathogenic.

Fulgent Genetics
Classification: Likely pathogenic for Congenital lactic acidosis, Saguenay-Lac-Saint-Jean type. Last evaluated: 2021-11-23. Review status: criteria provided, single submitter. Criteria: ACMG Guidelines, 2015. Collection method: clinical testing. Allele origin: unknown.

Baylor Genetics
Classification: Likely pathogenic for Congenital lactic acidosis, Saguenay-Lac-Saint-Jean type. Review status: criteria provided, single submitter. Criteria: ACMG Guidelines, 2015. Collection method: clinical testing. Allele origin: germline.

Literature cited by the submitters: PubMed 26510951 (cited by Labcorp Genetics (formerly Invitae), Labcorp).